The following is an entry in ClinVar:

NM_017999.5(RNF31):c.1274C>G (p.Pro425Arg)

Gene: RNF31 (ring finger protein 31; plus strand). Cytogenetic location: 14q12.
Variant type: single nucleotide variant.
Coding change: c.1274C>G on transcript NM_017999.5 (MANE Select); coding-DNA position 1274, C replaced by G.
Protein change: p.Pro425Arg; replaces proline 425 with arginine.
Molecular consequence: missense variant.
Genome position (GRCh38, 1-based): chr14:24,150,674, C>G. VCF-style: chr14-24150674-C-G. GRCh37 (hg19) VCF-style: chr14-24619883-C-G.
Other names: c.821C>G, p.Pro274Arg (NM_001310332.2); short protein forms P425R, P274R.
Identifiers: ClinVar variation 1896601 (VCV001896601.5), dbSNP rs2139079806, ClinGen allele CA389292954.

ClinVar aggregate classification (germline): Uncertain significance (1 of 4 stars; one submission).

Submission:

Labcorp Genetics (formerly Invitae), Labcorp
Classification: Uncertain significance. Last evaluated: 2022-04-26. Review status: criteria provided, single submitter. Criteria: Invitae Variant Classification Sherloc (09022015). Collection method: clinical testing. Allele origin: germline.
Comment: This sequence change replaces proline, which is neutral and non-polar, with arginine, which is basic and polar, at codon 425 of the RNF31 protein (p.Pro425Arg). This variant is not present in population databases (gnomAD no frequency). This variant has not been reported in the literature in individuals affected with RNF31-related conditions. Algorithms developed to predict the effect of missense changes on protein structure and function are either unavailable or do not agree on the potential impact of this missense change (SIFT: "Deleterious"; PolyPhen-2: "Benign"; Align-GVGD: "Class C0"). In summary, the available evidence is currently insufficient to determine the role of this variant in disease. Therefore, it has been classified as a Variant of Uncertain Significance.